The following is an entry in ClinVar:

ClinVar aggregate classification (germline): Uncertain significance (1 of 4 stars; one submission).

Conditions:
MAP1B-related disorder. Also called: MAP1B-related condition.

Submission:

PreventionGenetics, part of Exact Sciences
Classification: Uncertain significance for MAP1B-related condition. Last evaluated: 2023-07-11. Review status: criteria provided, single submitter. Criteria: ACMG Guidelines, 2015. Collection method: clinical testing. Allele origin: germline.
Comment: The MAP1B c.4909G>A variant is predicted to result in the amino acid substitution p.Asp1637Asn. To our knowledge, this variant has not been reported in the literature or in a large population database, indicating this variant is rare. At this time, the clinical significance of this variant is uncertain due to the absence of conclusive functional and genetic evidence.

NM_005909.5(MAP1B):c.4909G>A (p.Asp1637Asn)

Gene: MAP1B (microtubule associated protein 1B; plus strand). Cytogenetic location: 5q13.2.
Variant type: single nucleotide variant.
Coding change: c.4909G>A on transcript NM_005909.5 (MANE Select); coding-DNA position 4909, G replaced by A.
Protein change: p.Asp1637Asn; replaces aspartic acid 1637 with asparagine.
Molecular consequence: missense variant.
Genome position (GRCh38, 1-based): chr5:72,198,264, G>A. VCF-style: chr5-72198264-G-A. GRCh37 (hg19) VCF-style: chr5-71494091-G-A.
Other names: c.4531G>A, p.Asp1511Asn (NM_001324255.2); short protein forms D1511N, D1637N.
Identifiers: ClinVar variation 2632271 (VCV002632271.1), dbSNP rs2478581095, ClinGen allele CA360017347.